The following is an entry in ClinVar:

ClinVar aggregate classification (germline): Uncertain significance (1 of 4 stars; one submission).

gnomAD v4.1: 54 of 1,613,960 alleles (0.0033%); highest among the groups gnomAD compares: Admixed American, 0.012%; no homozygotes.

Submission:

Labcorp Genetics (formerly Invitae), Labcorp
Classification: Uncertain significance. Last evaluated: 2026-01-08. Review status: criteria provided, single submitter. Criteria: Invitae Variant Classification Sherloc (09022015). Collection method: clinical testing. Allele origin: germline.
Comment: This sequence change replaces arginine, which is basic and polar, with cysteine, which is neutral and slightly polar, at codon 763 of the DISP1 protein (p.Arg763Cys). This variant is present in population databases (rs759714329, gnomAD 0.02%). This variant has not been reported in the literature in individuals affected with DISP1-related conditions. An algorithm developed to predict the effect of missense changes on protein structure and function (PolyPhen-2) suggests that this variant is likely to be disruptive. In summary, the available evidence is currently insufficient to determine the role of this variant in disease. Therefore, it has been classified as a Variant of Uncertain Significance.

NM_001377229.1(DISP1):c.2287C>T (p.Arg763Cys)

Gene: DISP1 (dispatched RND transporter family member 1; plus strand). Cytogenetic location: 1q41.
Variant type: single nucleotide variant.
Coding change: c.2287C>T on transcript NM_001377229.1 (MANE Select); coding-DNA position 2287, C replaced by T.
Protein change: p.Arg763Cys; replaces arginine 763 with cysteine.
Molecular consequence: missense variant.
Genome position (GRCh38, 1-based): chr1:223,003,684, C>T. VCF-style: chr1-223003684-C-T. GRCh37 (hg19) VCF-style: chr1-223177026-C-T.
Other names: c.1558C>T, p.Arg520Cys (NM_001350630.2); c.2287C>T, p.Arg763Cys (NM_001369594.1, NM_001377228.1, NM_032890.5); short protein forms R520C, R763C.
Identifiers: ClinVar variation 4754903 (VCV004754903.1).
Genomic context (GRCh38, chr1:223,003,684, plus strand): 5'-AAACTGCCCTCACTGGAGTTATCCGAGTTCCAGGTGTTCCGGTCGTCCCATCCTTTTGAG[C>T]GTTATGATGCTGAATACAAAAAGCTTTTCATGTTTGAACGTGTTCACCATGGCGAGGAGC-3'
Protein context (NP_001364158.1, residues 753-773): QVFRSSHPFE[Arg763Cys]YDAEYKKLFM